The following is an entry in ClinVar:

ClinVar aggregate classification (germline): Uncertain significance (1 of 4 stars; one submission).

Submission:

GeneDx
Classification: Uncertain significance. Last evaluated: 2023-08-03. Review status: criteria provided, single submitter. Criteria: GeneDx Variant Classification Process June 2021. Collection method: clinical testing. Allele origin: germline. Affected: yes.
Comment: Not observed at significant frequency in large population cohorts (gnomAD); In silico analysis supports that this missense variant has a deleterious effect on protein structure/function; Has not been previously published as pathogenic or benign to our knowledge

NM_001042681.2(RERE):c.1450G>T (p.Asp484Tyr)

Gene: RERE (arginine-glutamic acid dipeptide repeats; minus strand). Cytogenetic location: 1p36.23.
Variant type: single nucleotide variant.
Coding change: c.1450G>T on transcript NM_001042681.2 (MANE Select); coding-DNA position 1450, G replaced by T.
Protein change: p.Asp484Tyr; replaces aspartic acid 484 with tyrosine.
Molecular consequence: missense variant. On other transcripts: 5 prime UTR variant (1).
Genome position (GRCh38, 1-based): chr1:8,364,836, C>A on the plus strand (G>T on the coding strand, the complement: RERE is on the minus strand). VCF-style: chr1-8364836-C-A. GRCh37 (hg19) VCF-style: chr1-8424896-C-A.
Other names: c.-213G>T (NM_001042682.2); c.1450G>T, p.Asp484Tyr (NM_012102.4); short protein forms D484Y.
Identifiers: ClinVar variation 3361796 (VCV003361796.1).
Genomic context (GRCh38, chr1:8,364,836, plus strand): 5'-CCTTCAGCTCCTGCTCACTGTCCTCACTGTCGAAGTCATCTTCACTGGCTGAACTTAGGT[C>A]CACTGGGCGTGGCAGGCACATAGTGGGGGTGGGGGAGACACCATCATGCTCAGCCAAGGC-3'
Protein context (NP_001036146.1, residues 474-494): PSRPPSSEFL[Asp484Tyr]LSSASEDDFD